The following is an entry in ClinVar:

ClinVar aggregate classification (germline): Likely benign (0 of 4 stars; one submission).

Conditions:
DISP1-related disorder. Also called: DISP1-related condition.

Allele frequency attached by ClinVar (database versions not stated): ExAC 0.00005; 1000 Genomes Project 30x 0.00016; 1000 Genomes Project 0.00020.
gnomAD v4.1: 13 of 1,614,128 alleles (0.00081%); highest among the groups gnomAD compares: Admixed American, 0.0017%; no homozygotes.

Submission:

PreventionGenetics, part of Exact Sciences
Classification: Likely benign for DISP1-related condition. Last evaluated: 2023-03-23. Review status: no assertion criteria provided. Collection method: clinical testing. Allele origin: germline.
Comment: This variant is classified as likely benign based on ACMG/AMP sequence variant interpretation guidelines (Richards et al. 2015 PMID: 25741868, with internal and published modifications).

NM_001377229.1(DISP1):c.81C>G (p.Pro27=)

Gene: DISP1 (dispatched RND transporter family member 1; plus strand). Cytogenetic location: 1q41.
Variant type: single nucleotide variant.
Coding change: c.81C>G on transcript NM_001377229.1 (MANE Select); coding-DNA position 81, C replaced by G.
Protein change: p.Pro27=; no amino-acid change (proline 27 retained).
Molecular consequence: synonymous variant. On other transcripts: 5 prime UTR variant (1).
Genome position (GRCh38, 1-based): chr1:222,942,904, C>G. VCF-style: chr1-222942904-C-G. GRCh37 (hg19) VCF-style: chr1-223116246-C-G.
Other names: c.-807C>G (NM_001350630.2); c.81C>G, p.Pro27= (NM_001369594.1, NM_001377228.1, NM_032890.5).
Identifiers: ClinVar variation 3054821 (VCV003054821.2), dbSNP rs573728762, ClinGen allele CA1408737.
Genomic context (GRCh38, chr1:222,942,904, plus strand): 5'-CAATGATTTTGTGGTTCTGAGCAACAGCAGCATCGCAACCAGTGCTGCTAACCCGAGTCC[C>G]CTCACCCCCTGTGATGGAGACCATGCAGCCCAGCAGCTCACACCCAAAGAAGCAACAAGA-3'
Protein context (NP_001364158.1, residues 17-37): SIATSAANPS[Pro27=]LTPCDGDHAA